The following is an entry in ClinVar:

ClinVar aggregate classification (germline): Pathogenic. Review status: criteria provided, multiple submitters, no conflicts (2 of 4 stars). 4 submissions from 4 submitters: Pathogenic (4). Last evaluated 2026-07-29.

Conditions:
COL18A1-related disorder. Also called: COL18A1-related condition; COL18A1-related disorders.
Retinal disorder. Also called: Retinal disorders; Retinopathies; Retinal Diseases; Retinopathy. Identifiers: MedGen C0035309, MONDO:0005283, HP:0000488.

Submissions (4):

Genetics Laboratory, Great Ormond Street Hospital NHS Foundation Trust, North Thames Genomic Laboratory Hub
Classification: Pathogenic for Retinal disorders. Last evaluated: 2026-07-29. Review status: criteria provided, single submitter. Criteria: ACGS Best Practice Guidelines for Variant Classification in Rare Disease 2024 v1.2. Collection method: clinical testing. Allele origin: germline. Affected: yes.
Comment: PM2_moderate, PVS1_very-strong, PM3_supporting

Labcorp Genetics (formerly Invitae), Labcorp
Classification: Pathogenic. Last evaluated: 2025-10-27. Review status: criteria provided, single submitter. Criteria: Invitae Variant Classification Sherloc (09022015). Collection method: clinical testing. Allele origin: germline.
Comment: This sequence change creates a premature translational stop signal (p.Pro1009Leufs*13) in the COL18A1 gene. It is expected to result in an absent or disrupted protein product. Loss-of-function variants in COL18A1 are known to be pathogenic (PMID: 12415512, 25456301). The frequency data for this variant in the population databases is considered unreliable, as metrics indicate poor data quality at this position in the gnomAD database. This variant has not been reported in the literature in individuals affected with COL18A1-related conditions. ClinVar contains an entry for this variant (Variation ID: 1455863). For these reasons, this variant has been classified as Pathogenic.

GeneDx
Classification: Pathogenic. Last evaluated: 2025-02-07. Review status: criteria provided, single submitter. Criteria: GeneDx Variant Classification Process June 2021. Collection method: clinical testing. Allele origin: germline.
Comment: Frameshift variant predicted to result in protein truncation or nonsense mediated decay in a gene for which loss of function is a known mechanism of disease; This variant is associated with the following publications: (PMID: 35460704, 33057194, 35982159, 33726816, 33238767)

Blueprint Genetics
Classification: Pathogenic for COL18A1-related disorders. Last evaluated: 2023-03-27. Review status: criteria provided, single submitter. Criteria: ACMG Guidelines, 2015. Collection method: clinical testing. Allele origin: germline. Affected: yes. Observed: 5 variant alleles.

Literature cited by the submitters: PubMed 12415512 (cited by Labcorp Genetics (formerly Invitae), Labcorp); PubMed 25456301 (cited by Labcorp Genetics (formerly Invitae), Labcorp).

NM_001379500.1(COL18A1):c.3033_3051del (p.Pro1012fs)

Genes: COL18A1 (collagen type XVIII alpha 1 chain; plus strand), SLC19A1 (solute carrier family 19 member 1; minus strand). Cytogenetic location: 21q22.3.
Variant type: Deletion.
Coding change: c.3033_3051del on transcript NM_001379500.1 (MANE Select); coding-DNA positions 3033 to 3051, 19 bases deleted (TCCGGGCCCCCCTGGGCCC).
Protein change: p.Pro1012fs; shifts the reading frame from proline 1012.
Molecular consequence: frameshift variant.
Genome position (GRCh38, 1-based): chr21:45,505,377-45,505,395, TCCGGGCCCCCCTGGGCCC deleted; deleting any 19 consecutive bases within chr21:45,505,372-45,505,395 gives the same sequence; the c. name uses the placement nearest the transcript's 3' end. VCF-style (leftmost placement, unchanged base first): chr21-45505371-CGGCCCTCCGGGCCCCCCTG-C. GRCh37 (hg19) VCF-style: chr21-46925285-CGGCCCTCCGGGCCCCCCTG-C.
Other names: NM_130445.2:c.3024_3042del; c.3564_3582del, p.Pro1189fs (NM_030582.4); c.4269_4287del, p.Pro1424fs (NM_130444.3); short protein forms P1012fs, P1189fs, P1424fs.
Identifiers: ClinVar variation 1455863 (VCV001455863.10), dbSNP rs922296917, ClinGen allele CA321921559.